The following is an entry in ClinVar:

NM_004994.3(MMP9):c.1849C>T (p.Leu617Phe)

Genes: MMP9 (matrix metallopeptidase 9; plus strand), SLC12A5-AS1 (SLC12A5 and MMP9 antisense RNA 1; minus strand), LOC130065978 (ATAC-STARR-seq lymphoblastoid silent region 12969; plus strand). Cytogenetic location: 20q13.12.
Variant type: single nucleotide variant.
Coding change: c.1849C>T on transcript NM_004994.3 (MANE Select); coding-DNA position 1849, C replaced by T.
Protein change: p.Leu617Phe; replaces leucine 617 with phenylalanine.
Molecular consequence: missense variant. On other transcripts: non-coding transcript variant (1).
Genome position (GRCh38, 1-based): chr20:46,014,222, C>T. VCF-style: chr20-46014222-C-T. GRCh37 (hg19) VCF-style: chr20-44642861-C-T.
Other names: short protein forms L617F.
Identifiers: ClinVar variation 2807458 (VCV002807458.3), dbSNP rs2515616367, ClinGen allele CA409224870.

ClinVar aggregate classification (germline): Uncertain significance (1 of 4 stars; one submission).

Allele frequency attached by ClinVar (database versions not stated): gnomAD exomes below 0.00001.
gnomAD v4.1: 1 of 1,536,828 alleles (0.000065%); highest among the groups gnomAD compares: African/African-American, 0.0014%; no homozygotes.

Submission:

Labcorp Genetics (formerly Invitae), Labcorp
Classification: Uncertain significance. Last evaluated: 2022-11-10. Review status: criteria provided, single submitter. Criteria: Invitae Variant Classification Sherloc (09022015). Collection method: clinical testing. Allele origin: germline.
Comment: This sequence change replaces leucine, which is neutral and non-polar, with phenylalanine, which is neutral and non-polar, at codon 617 of the MMP9 protein (p.Leu617Phe). This variant is not present in population databases (gnomAD no frequency). This variant has not been reported in the literature in individuals affected with MMP9-related conditions. Algorithms developed to predict the effect of missense changes on protein structure and function are either unavailable or do not agree on the potential impact of this missense change (SIFT: "Tolerated"; PolyPhen-2: "Probably Damaging"; Align-GVGD: "Class C0"). In summary, the available evidence is currently insufficient to determine the role of this variant in disease. Therefore, it has been classified as a Variant of Uncertain Significance.